The following is an entry in ClinVar:

ClinVar aggregate classification (germline): Uncertain significance (1 of 4 stars; one submission).

Conditions:
Cystinuria (CSNU). Also called: Cystinuria, non-type I; CYSTINURIA, TYPE I; CYSTINURIA, TYPE II; CYSTINURIA, TYPE III. Identifiers: Orphanet 214, MedGen C0010691, MONDO:0009067, OMIM 220100, HP:0003131.

Allele frequency attached by ClinVar (database versions not stated): gnomAD 0.00001; TOPMed 0.00001.
gnomAD v4.1: 1 of 1,613,210 alleles (0.000062%); highest among the groups gnomAD compares: Admixed American, 0.0017%; no homozygotes.

Submission:

Labcorp Genetics (formerly Invitae), Labcorp
Classification: Uncertain significance for Cystinuria. Last evaluated: 2022-03-31. Review status: criteria provided, single submitter. Criteria: Invitae Variant Classification Sherloc (09022015). Collection method: clinical testing. Allele origin: germline.
Comment: In summary, the available evidence is currently insufficient to determine the role of this variant in disease. Therefore, it has been classified as a Variant of Uncertain Significance. Algorithms developed to predict the effect of missense changes on protein structure and function are either unavailable or do not agree on the potential impact of this missense change (SIFT: "Deleterious"; PolyPhen-2: "Probably Damaging"; Align-GVGD: "Class C0"). This missense change has been observed in individual(s) with clinical features of cystinuria (Invitae). This variant is not present in population databases (gnomAD no frequency). This sequence change replaces tyrosine, which is neutral and polar, with histidine, which is basic and polar, at codon 479 of the SLC3A1 protein (p.Tyr479His).

NM_000341.4(SLC3A1):c.1435T>C (p.Tyr479His)

Gene: SLC3A1 (solute carrier family 3 member 1; plus strand). Cytogenetic location: 2p21.
Variant type: single nucleotide variant.
Coding change: c.1435T>C on transcript NM_000341.4 (MANE Select); coding-DNA position 1435, T replaced by C.
Protein change: p.Tyr479His; replaces tyrosine 479 with histidine.
Molecular consequence: missense variant.
Genome position (GRCh38, 1-based): chr2:44,312,688, T>C. VCF-style: chr2-44312688-T-C. GRCh37 (hg19) VCF-style: chr2-44539827-T-C.
Other names: short protein forms Y479H.
Identifiers: ClinVar variation 1922511 (VCV001922511.5), dbSNP rs1288965422, ClinGen allele CA346684579.